The following is an entry in ClinVar:

ClinVar aggregate classification (germline): Uncertain significance (1 of 4 stars; one submission).

Allele frequency attached by ClinVar (database versions not stated): gnomAD exomes below 0.00001; gnomAD 0.00001 and 0.00002; TOPMed 0.00001; ExAC 0.00005.

Submission:

Labcorp Genetics (formerly Invitae), Labcorp
Classification: Uncertain significance. Last evaluated: 2022-07-05. Review status: criteria provided, single submitter. Criteria: Invitae Variant Classification Sherloc (09022015). Collection method: clinical testing. Allele origin: germline.
Comment: This sequence change replaces alanine, which is neutral and non-polar, with valine, which is neutral and non-polar, at codon 40 of the ARHGEF18 protein (p.Ala40Val). In summary, the available evidence is currently insufficient to determine the role of this variant in disease. Therefore, it has been classified as a Variant of Uncertain Significance. Algorithms developed to predict the effect of missense changes on protein structure and function output the following: SIFT: "Deleterious"; PolyPhen-2: "Benign"; Align-GVGD: "Class C0". The valine amino acid residue is found in multiple mammalian species, which suggests that this missense change does not adversely affect protein function. ClinVar contains an entry for this variant (Variation ID: 1492252). This variant has not been reported in the literature in individuals affected with ARHGEF18-related conditions. This variant is present in population databases (rs776964043, gnomAD 0.01%).

NM_001367823.1(ARHGEF18):c.968-285C>T

Gene: ARHGEF18 (Rho/Rac guanine nucleotide exchange factor 18; plus strand). Cytogenetic location: 19p13.2.
Variant type: single nucleotide variant.
Coding change: c.968-285C>T on transcript NM_001367823.1 (MANE Select); 285 bases into the intron before coding-DNA position 968, C replaced by T.
Molecular consequence: intron variant. On other transcripts: 5 prime UTR variant (1).
Genome position (GRCh38, 1-based): chr19:7,440,059, C>T. VCF-style: chr19-7440059-C-T. GRCh37 (hg19) VCF-style: chr19-7504945-C-T.
Other names: c.-44C>T (NM_001130955.2); c.-226-130C>T (NM_001367824.1); c.-71-285C>T (NM_015318.4).
Identifiers: ClinVar variation 1492252 (VCV001492252.6), dbSNP rs776964043, ClinGen allele CA9136261.